The following is an entry in ClinVar:

ClinVar aggregate classification (germline): Pathogenic/Likely pathogenic. Review status: criteria provided, multiple submitters, no conflicts (2 of 4 stars). 3 submissions from 3 submitters: Pathogenic (1); Likely pathogenic (2). Last evaluated 2024-08-28.

Conditions:
ALG6-congenital disorder of glycosylation 1C (CDG1C). Also called: Congenital disorder of glycosylation, type Ic; CARBOHYDRATE-DEFICIENT GLYCOPROTEIN SYNDROME, TYPE I, WITH DEFICIENT GLYCOSYLATION OF DOLICHOL-LINKED OLIGOSACCHARIDE; CARBOHYDRATE-DEFICIENT GLYCOPROTEIN SYNDROME, TYPE V; CDG Ic; Congenital disorder of glycosylation type 1C. Identifiers: Orphanet 79320, MedGen C2930997, MONDO:0011291, OMIM 603147.

Submissions (3):

Natera, Inc.
Classification: Likely pathogenic for Congenital disorder of glycosylation type 1c. Last evaluated: 2024-08-28. Review status: criteria provided, single submitter. Criteria: Natera Variant Classification Schema (03/2026). Collection method: clinical testing. Allele origin: germline.
Comment: The c.920T>A variant in ALG6 is a nonsense variant predicted to introduce a stop codon at amino acid 307. This variant is expected to result in nonsense mediated decay, truncation, or a dysfunctional protein product. This variant is rare in the general population with a frequency below the threshold expected for the associated phenotype(s). Given the available evidence, this variant is classified as Likely Pathogenic.

Baylor Genetics
Classification: Likely pathogenic for ALG6-congenital disorder of glycosylation 1C. Last evaluated: 2022-11-02. Review status: criteria provided, single submitter. Criteria: ACMG Guidelines, 2015. Collection method: clinical testing. Allele origin: unknown.

Labcorp Genetics (formerly Invitae), Labcorp
Classification: Pathogenic for ALG6-congenital disorder of glycosylation 1C. Last evaluated: 2022-09-19. Review status: criteria provided, single submitter. Criteria: Invitae Variant Classification Sherloc (09022015). Collection method: clinical testing. Allele origin: germline.
Comment: Algorithms developed to predict the effect of sequence changes on RNA splicing suggest that this variant may disrupt the consensus splice site. For these reasons, this variant has been classified as Pathogenic. ClinVar contains an entry for this variant (Variation ID: 1450339). This sequence change creates a premature translational stop signal (p.Leu307*) in the ALG6 gene. It is expected to result in an absent or disrupted protein product. Loss-of-function variants in ALG6 are known to be pathogenic (PMID: 19862844). This variant is not present in population databases (gnomAD no frequency). This variant has not been reported in the literature in individuals affected with ALG6-related conditions.

Literature cited by the submitters: PubMed 19862844 (cited by Labcorp Genetics (formerly Invitae), Labcorp).

NM_013339.4(ALG6):c.920T>A (p.Leu307Ter)

Gene: ALG6 (ALG6 alpha-1,3-glucosyltransferase; plus strand). Cytogenetic location: 1p31.3.
Variant type: single nucleotide variant.
Coding change: c.920T>A on transcript NM_013339.4 (MANE Select); coding-DNA position 920, T replaced by A.
Protein change: p.Leu307Ter; replaces leucine 307 with a stop codon.
Molecular consequence: nonsense.
Genome position (GRCh38, 1-based): chr1:63,415,890, T>A. VCF-style: chr1-63415890-T-A. GRCh37 (hg19) VCF-style: chr1-63881561-T-A.
Other names: c.920T>A (NM_013339.3); short protein forms L307*.
Identifiers: ClinVar variation 1450339 (VCV001450339.8), dbSNP rs1644543791, ClinGen allele CA340637557.